The following is an entry in ClinVar:

NM_001040716.2(PC):c.85G>A (p.Val29Ile)

Gene: PC (pyruvate carboxylase; minus strand). Cytogenetic location: 11q13.2.
Variant type: single nucleotide variant.
Coding change: c.85G>A on transcript NM_001040716.2 (MANE Select); coding-DNA position 85, G replaced by A.
Protein change: p.Val29Ile; replaces valine 29 with isoleucine.
Molecular consequence: missense variant.
Genome position (GRCh38, 1-based): chr11:66,872,075, C>T on the plus strand (G>A on the coding strand, the complement: PC is on the minus strand). VCF-style: chr11-66872075-C-T. GRCh37 (hg19) VCF-style: chr11-66639546-C-T.
Other names: p.V29I:GTC>ATC; p.Val29Ile; c.85G>A, p.Val29Ile (NM_000920.4, NM_022172.3); short protein forms V29I.
Identifiers: ClinVar variation 203906 (VCV000203906.23), dbSNP rs45471099, ClinGen allele CA312878.

ClinVar aggregate classification (germline): Benign/Likely benign. Review status: criteria provided, multiple submitters, no conflicts (2 of 4 stars). 7 submissions from 7 submitters: Benign (6); Likely benign (1). Last evaluated 2026-01-31.

Conditions:
Pyruvate carboxylase deficiency. Also called: ATAXIA WITH LACTIC ACIDOSIS II; Pyruvate Carboxylase Deficiency Disease; LEIGH NECROTIZING ENCEPHALOPATHY DUE TO PYRUVATE CARBOXYLASE DEFICIENCY; LEIGH SYNDROME DUE TO PYRUVATE CARBOXYLASE DEFICIENCY; PC DEFICIENCY. Identifiers: Orphanet 3008, MedGen C0034341, MONDO:0009949, OMIM 266150.

Allele frequency attached by ClinVar (database versions not stated): gnomAD exomes 0.00035 and 0.00086; ExAC 0.00225; 1000 Genomes Project 0.00319; 1000 Genomes Project 30x 0.00328; ESP Exome Variant Server 0.00356; gnomAD 0.00362 and 0.00394; TOPMed 0.00447.
gnomAD v4.1: 1,089 of 1,567,408 alleles (0.069%); highest among the groups gnomAD compares: African/African-American, 1.3%; 9 homozygotes.

Submissions (7):

Labcorp Genetics (formerly Invitae), Labcorp
Classification: Benign for Pyruvate carboxylase deficiency. Last evaluated: 2026-01-31. Review status: criteria provided, single submitter. Criteria: Invitae Variant Classification Sherloc (09022015). Collection method: clinical testing. Allele origin: germline.

Blueprint Genetics
Classification: Likely benign. Last evaluated: 2024-11-06. Review status: criteria provided, single submitter. Criteria: ACMG Guidelines, 2015. Collection method: clinical testing. Allele origin: germline.

Mayo Clinic Laboratories, Mayo Clinic
Classification: Benign. Last evaluated: 2024-10-11. Review status: criteria provided, single submitter. Criteria: ACMG Guidelines, 2015. Collection method: clinical testing. Allele origin: germline. Observed: 2 variant alleles.
Comment: BA1, BP4

Fulgent Genetics
Classification: Benign for Pyruvate carboxylase deficiency. Last evaluated: 2021-08-10. Review status: criteria provided, single submitter. Criteria: ACMG Guidelines, 2015. Collection method: clinical testing. Allele origin: unknown.

ARUP Laboratories, Molecular Genetics and Genomics, ARUP Laboratories
Classification: Benign for Pyruvate carboxylase deficiency. Last evaluated: 2018-07-12. Review status: criteria provided, single submitter. Criteria: ARUP Molecular Germline Variant Investigation Process. Collection method: clinical testing. Allele origin: germline.

GeneDx
Classification: Benign. Last evaluated: 2014-06-09. Review status: criteria provided, single submitter. Criteria: GeneDx Variant Classification (06012015). Collection method: clinical testing. Allele origin: germline. Affected: yes.
Comment: This variant is considered likely benign or benign based on one or more of the following criteria: it is a conservative change, it occurs at a poorly conserved position in the protein, it is predicted to be benign by multiple in silico algorithms, and/or has population frequency not consistent with disease.

Breakthrough Genomics
Classification: Benign. Review status: criteria provided, single submitter. Criteria: ACMG Guidelines, 2015. Collection method: not provided. Allele origin: germline. Inheritance: Autosomal recessive inheritance. Affected: yes.